The following is an entry in ClinVar:

NM_001354768.3(NRL):c.172A>G (p.Met58Val)

Gene: NRL (neural retina leucine zipper; minus strand). Cytogenetic location: 14q11.2.
Variant type: single nucleotide variant.
Coding change: c.172A>G on transcript NM_001354768.3 (MANE Select); coding-DNA position 172, A replaced by G.
Protein change: p.Met58Val; replaces methionine 58 with valine.
Molecular consequence: missense variant. On other transcripts: intron variant (1).
Genome position (GRCh38, 1-based): chr14:24,082,677, T>C on the plus strand (A>G on the coding strand, the complement: NRL is on the minus strand). VCF-style: chr14-24082677-T-C. GRCh37 (hg19) VCF-style: chr14-24551886-T-C.
Other names: c.172A>G, p.Met58Val (NM_001354769.1, NM_006177.5); c.66+106A>G (NM_001354770.2); short protein forms M58V.
Identifiers: ClinVar variation 950604 (VCV000950604.8), dbSNP rs932990682, ClinGen allele CA389281360.

ClinVar aggregate classification (germline): Uncertain significance (1 of 4 stars; one submission).

gnomAD v4.1: 4 of 1,614,104 alleles (0.00025%); highest among the groups gnomAD compares: South Asian, 0.0033%; no homozygotes.

Submission:

Labcorp Genetics (formerly Invitae), Labcorp
Classification: Uncertain significance. Last evaluated: 2019-07-11. Review status: criteria provided, single submitter. Criteria: Invitae Variant Classification Sherloc (09022015). Collection method: clinical testing. Allele origin: germline.
Comment: In summary, the available evidence is currently insufficient to determine the role of this variant in disease. Therefore, it has been classified as a Variant of Uncertain Significance. Algorithms developed to predict the effect of missense changes on protein structure and function output the following: SIFT: "Tolerated"; PolyPhen-2: "Benign"; Align-GVGD: "Class C0". The valine amino acid residue is found in multiple mammalian species, suggesting that this missense change does not adversely affect protein function. These predictions have not been confirmed by published functional studies and their clinical significance is uncertain. This variant has not been reported in the literature in individuals with NRL-related conditions. This variant is not present in population databases (ExAC no frequency). This sequence change replaces methionine with valine at codon 58 of the NRL protein (p.Met58Val). The methionine residue is moderately conserved and there is a small physicochemical difference between methionine and valine.